The following is an entry in ClinVar:

ClinVar aggregate classification (germline): Likely benign (0 of 4 stars; one submission).

Conditions:
LRP1B-related disorder. Also called: LRP1B-related condition.

Allele frequency attached by ClinVar (database versions not stated): ExAC 0.00003; gnomAD exomes 0.00005; TOPMed 0.00007; ESP Exome Variant Server 0.00008; gnomAD 0.00010; 1000 Genomes Project 30x 0.00016; 1000 Genomes Project 0.00020.
gnomAD v4.1: 93 of 1,613,926 alleles (0.0058%); highest among the groups gnomAD compares: Non-Finnish European, 0.007%; no homozygotes.

Submission:

PreventionGenetics, part of Exact Sciences
Classification: Likely benign for LRP1B-related condition. Last evaluated: 2019-07-08. Review status: no assertion criteria provided. Collection method: clinical testing. Allele origin: germline.
Comment: This variant is classified as likely benign based on ACMG/AMP sequence variant interpretation guidelines (Richards et al. 2015 PMID: 25741868, with internal and published modifications).

NM_018557.3(LRP1B):c.8958C>T (p.Tyr2986=)

Gene: LRP1B (LDL receptor related protein 1B; minus strand). Cytogenetic location: 2q22.1.
Variant type: single nucleotide variant.
Coding change: c.8958C>T on transcript NM_018557.3 (MANE Select); coding-DNA position 8958, C replaced by T.
Protein change: p.Tyr2986=; no amino-acid change (tyrosine 2986 retained).
Molecular consequence: synonymous variant.
Genome position (GRCh38, 1-based): chr2:140,495,641, G>A on the plus strand (C>T on the coding strand, the complement: LRP1B is on the minus strand). VCF-style: chr2-140495641-G-A. GRCh37 (hg19) VCF-style: chr2-141253210-G-A.
Identifiers: ClinVar variation 3050257 (VCV003050257.2), dbSNP rs187196772, ClinGen allele CA1893808.
Genomic context (GRCh38, chr2:140,495,641, plus strand): 5'-GCCATTTGGGTTATCAGGTTGTATTTCATACCCATCTGTACAGAGGCACTTGTAAGTCCC[G>A]TATGTATTGATGCATTGCTGGCTACAGGGAAAGCCTGAAGAGCATTCATCAATGTCTACA-3'
Protein context (NP_061027.2, residues 2976-2996): FPCSQQCINT[Tyr2986=]GTYKCLCTDG